The following is an entry in ClinVar:

ClinVar aggregate classification (germline): Benign/Likely benign. Review status: criteria provided, multiple submitters, no conflicts (2 of 4 stars). 4 submissions from 4 submitters: Benign (3); Likely benign (1). Last evaluated 2026-01-04.

Conditions:
GSN-related disorder. Also called: GSN-related condition.

Allele frequency attached by ClinVar (database versions not stated): TOPMed 0.00557; ESP Exome Variant Server 0.00654; 1000 Genomes Project 0.00719; 1000 Genomes Project 30x 0.00765.
gnomAD v4.1: 1,607 of 1,614,216 alleles (0.1%); highest among the groups gnomAD compares: African/African-American, 1.9%; 12 homozygotes.

Submissions (4):

Labcorp Genetics (formerly Invitae), Labcorp
Classification: Benign. Last evaluated: 2026-01-04. Review status: criteria provided, single submitter. Criteria: Invitae Variant Classification Sherloc (09022015). Collection method: clinical testing. Allele origin: germline.

PreventionGenetics, part of Exact Sciences
Classification: Benign for GSN-related condition. Last evaluated: 2025-03-07. Review status: criteria provided, single submitter. Criteria: ACMG Guidelines, 2015. Collection method: clinical testing. Allele origin: germline.
Comment: This variant is classified as benign based on ACMG/AMP sequence variant interpretation guidelines (Richards et al. 2015 PMID: 25741868, with internal and published modifications).

Blueprint Genetics
Classification: Likely benign. Last evaluated: 2024-11-04. Review status: criteria provided, single submitter. Criteria: ACMG Guidelines, 2015. Collection method: clinical testing. Allele origin: germline.

Breakthrough Genomics
Classification: Benign. Review status: criteria provided, single submitter. Criteria: ACMG Guidelines, 2015. Collection method: not provided. Allele origin: germline. Inheritance: Autosomal dominant inheritance. Affected: yes.

NM_198252.3(GSN):c.75C>G (p.Phe25Leu)

Gene: GSN (gelsolin; plus strand). Cytogenetic location: 9q33.2.
Variant type: single nucleotide variant.
Coding change: c.75C>G on transcript NM_198252.3 (MANE Select); coding-DNA position 75, C replaced by G.
Protein change: p.Phe25Leu; replaces phenylalanine 25 with leucine.
Molecular consequence: missense variant. On other transcripts: intron variant (1).
Genome position (GRCh38, 1-based): chr9:121,302,046, C>G. VCF-style: chr9-121302046-C-G. GRCh37 (hg19) VCF-style: chr9-124064324-C-G.
Other names: c.228C>G, p.Phe76Leu (NM_000177.5); c.75C>G, p.Phe25Leu (NM_001127662.2, NM_001127664.2, NM_001127665.2 and 10 more transcripts); c.183C>G, p.Phe61Leu (NM_001127663.2); c.108C>G, p.Phe36Leu (NM_001127666.2, NM_001127667.2, NM_001353063.2 and 13 more transcripts); c.126C>G, p.Phe42Leu (NM_001258029.2); c.99C>G, p.Phe33Leu (NM_001258030.2); c.147C>G, p.Phe49Leu (NM_001353076.2); c.-458-865C>G (NM_001353078.2); short protein forms F25L, F33L, F76L, F42L, F49L, F36L, F61L.
Identifiers: ClinVar variation 709558 (VCV000709558.11), dbSNP rs149415778, ClinGen allele CA5220752.